The following is an entry in ClinVar:

NM_004562.3(PRKN):c.904C>T (p.His302Tyr)

Gene: PRKN (parkin RBR E3 ubiquitin protein ligase; minus strand). Cytogenetic location: 6q26.
Variant type: single nucleotide variant.
Coding change: c.904C>T on transcript NM_004562.3 (MANE Select); coding-DNA position 904, C replaced by T.
Protein change: p.His302Tyr; replaces histidine 302 with tyrosine.
Molecular consequence: missense variant.
Genome position (GRCh38, 1-based): chr6:161,569,384, G>A on the plus strand (C>T on the coding strand, the complement: PRKN is on the minus strand). VCF-style: chr6-161569384-G-A. GRCh37 (hg19) VCF-style: chr6-161990416-G-A.
Other names: c.820C>T, p.His274Tyr (NM_013987.3); c.457C>T, p.His153Tyr (NM_013988.3); short protein forms H302Y, H274Y, H153Y.
Identifiers: ClinVar variation 952556 (VCV000952556.12), dbSNP rs755749488, ClinGen allele CA4090116.

ClinVar aggregate classification (germline): Uncertain significance. Review status: criteria provided, multiple submitters, no conflicts (2 of 4 stars). 3 submissions from 3 submitters: Uncertain significance (3). Last evaluated 2024-12-27.

Conditions:
Autosomal recessive juvenile Parkinson disease 2. Also called: PARKINSON DISEASE, JUVENILE, AUTOSOMAL RECESSIVE; PRKN-Related Early-Onset Parkinson Disease; Parkinson disease, juvenile, type 2; Parkinson disease autosomal recessive, early onset; Juvenile parkinsonism; Parkinsonism, early onset, with diurnal fluctuation. Identifiers: Orphanet 2828, MedGen C1868675, MONDO:0010820, OMIM 600116.

Allele frequency attached by ClinVar (database versions not stated): gnomAD exomes 0.00002; ExAC 0.00001; gnomAD 0.00001; TOPMed 0.00001.
gnomAD v4.1: 24 of 1,613,844 alleles (0.0015%); highest among the groups gnomAD compares: Non-Finnish European, 0.002%; no homozygotes.

Submissions (3):

GeneDx
Classification: Uncertain significance. Last evaluated: 2024-12-27. Review status: criteria provided, single submitter. Criteria: GeneDx Variant Classification Process June 2021. Collection method: clinical testing. Allele origin: germline. Affected: yes.
Comment: Not observed at significant frequency in large population cohorts (gnomAD); In silico analysis supports that this missense variant has a deleterious effect on protein structure/function; Has not been previously published as pathogenic or benign to our knowledge

Labcorp Genetics (formerly Invitae), Labcorp
Classification: Uncertain significance. Last evaluated: 2023-01-29. Review status: criteria provided, single submitter. Criteria: Invitae Variant Classification Sherloc (09022015). Collection method: clinical testing. Allele origin: germline.
Comment: In summary, the available evidence is currently insufficient to determine the role of this variant in disease. Therefore, it has been classified as a Variant of Uncertain Significance. Algorithms developed to predict the effect of missense changes on protein structure and function (SIFT, PolyPhen-2, Align-GVGD) all suggest that this variant is likely to be disruptive. ClinVar contains an entry for this variant (Variation ID: 952556). This missense change has been observed in individual(s) with clinical features of early-onset Parkinson disease (Invitae). In at least one individual the data is consistent with being in trans (on the opposite chromosome) from a pathogenic variant. This variant is present in population databases (rs755749488, gnomAD 0.004%). This sequence change replaces histidine, which is basic and polar, with tyrosine, which is neutral and polar, at codon 302 of the PRKN protein (p.His302Tyr).

Genetics and Molecular Pathology, SA Pathology
Classification: Uncertain significance for Autosomal recessive juvenile Parkinson disease 2. Last evaluated: 2021-06-30. Review status: criteria provided, single submitter. Criteria: ACMG Guidelines, 2015. Collection method: clinical testing. Allele origin: germline. Affected: yes.